The following is an entry in ClinVar:

ClinVar aggregate classification (germline): Uncertain significance (1 of 4 stars; one submission).

Conditions:
Myoclonic dystonia 11 (DYT11). Also called: Myoclonic dystonia; Dystonia 11; Dystonia, alcohol responsive; Hereditary essential myoclonus; SGCE Myoclonus-Dystonia; Myoclonus-Dystonia. Identifiers: Orphanet 36899, MedGen C1834570, MONDO:0008044, OMIM 159900.

Allele frequency attached by ClinVar (database versions not stated): gnomAD exomes below 0.00001.
gnomAD v4.1: 1 of 1,613,268 alleles (0.000062%); highest among the groups gnomAD compares: Non-Finnish European, 0.000085%; no homozygotes.

Submission:

Labcorp Genetics (formerly Invitae), Labcorp
Classification: Uncertain significance for Myoclonic dystonia 11. Last evaluated: 2023-08-04. Review status: criteria provided, single submitter. Criteria: Invitae Variant Classification Sherloc (09022015). Collection method: clinical testing. Allele origin: germline.
Comment: This sequence change replaces alanine, which is neutral and non-polar, with valine, which is neutral and non-polar, at codon 14 of the SGCE protein (p.Ala14Val). This variant is not present in population databases (gnomAD no frequency). This variant has not been reported in the literature in individuals affected with SGCE-related conditions. ClinVar contains an entry for this variant (Variation ID: 1353602). An algorithm developed to predict the effect of missense changes on protein structure and function (PolyPhen-2) suggests that this variant is likely to be tolerated. In summary, the available evidence is currently insufficient to determine the role of this variant in disease. Therefore, it has been classified as a Variant of Uncertain Significance.

NM_003919.3(SGCE):c.41C>T (p.Ala14Val)

Gene: SGCE (sarcoglycan epsilon; minus strand). Cytogenetic location: 7q21.3.
Variant type: single nucleotide variant.
Coding change: c.41C>T on transcript NM_003919.3 (MANE Select); coding-DNA position 41, C replaced by T.
Protein change: p.Ala14Val; replaces alanine 14 with valine.
Molecular consequence: missense variant. On other transcripts: 5 prime UTR variant (4).
Genome position (GRCh38, 1-based): chr7:94,656,058, G>A on the plus strand (C>T on the coding strand, the complement: SGCE is on the minus strand). VCF-style: chr7-94656058-G-A. GRCh37 (hg19) VCF-style: chr7-94285370-G-A.
Other names: c.41C>T, p.Ala14Val (NM_001099400.2, NM_001099401.2, NM_001301139.2 and 4 more transcripts); c.-217C>T (NM_001346719.2); c.-295C>T (NM_001346720.2, NM_001362808.2); c.-223C>T (NM_001362807.2); short protein forms A14V.
Identifiers: ClinVar variation 1353602 (VCV001353602.8), dbSNP rs2117138245, ClinGen allele CA368393680.